The following is an entry in ClinVar:

ClinVar aggregate classification (germline): Likely benign (1 of 4 stars; one submission).

Conditions:
CFAP410-related disorder. Also called: CFAP410-related condition.

gnomAD v4.1: 1 of 1,603,728 alleles (0.000062%); highest among the groups gnomAD compares: East Asian, 0.0022%; no homozygotes.

Submission:

PreventionGenetics, part of Exact Sciences
Classification: Likely benign for CFAP410-related condition. Last evaluated: 2026-09-09. Review status: criteria provided, single submitter. Criteria: ACMG Guidelines, 2015. Collection method: clinical testing. Allele origin: germline.
Comment: This variant is classified as likely benign based on ACMG/AMP sequence variant interpretation guidelines (Richards et al. 2015 PMID: 25741868, with internal and published modifications).

NM_004928.3(CFAP410):c.585C>A (p.Ser195=)

Gene: CFAP410 (cilia and flagella associated protein 410; minus strand). Cytogenetic location: 21q22.3.
Variant type: single nucleotide variant.
Coding change: c.585C>A on transcript NM_004928.3 (MANE Select); coding-DNA position 585, C replaced by A.
Protein change: p.Ser195=; no amino-acid change (serine 195 retained).
Molecular consequence: synonymous variant.
Genome position (GRCh38, 1-based): chr21:44,330,880, G>T on the plus strand (C>A on the coding strand, the complement: CFAP410 is on the minus strand). VCF-style: chr21-44330880-G-T. GRCh37 (hg19) VCF-style: chr21-45750763-G-T.
Other names: c.582C>A, p.Ser194= (NM_001271440.2, NM_001271441.2); c.459C>A, p.Ser153= (NM_001271442.1).
Identifiers: ClinVar variation 4989757 (VCV004989757.1).